The following is an entry in ClinVar:

ClinVar aggregate classification (germline): Uncertain significance. Review status: criteria provided, multiple submitters, no conflicts (2 of 4 stars). 2 submissions from 2 submitters: Uncertain significance (2). Last evaluated 2021-10-25.

Conditions:
Chédiak-Higashi syndrome (CHS). Also called: Chediak-Higashi Syndrome. Identifiers: Orphanet 167, MedGen C0007965, MONDO:0008963, OMIM 214500.

Allele frequency attached by ClinVar (database versions not stated): TOPMed below 0.00001; gnomAD 0.00001; gnomAD exomes 0.00001.
gnomAD v4.1: 12 of 1,613,668 alleles (0.00074%); highest among the groups gnomAD compares: Admixed American, 0.0017%; no homozygotes.

Submissions (2):

Blueprint Genetics
Classification: Uncertain significance. Last evaluated: 2021-10-25. Review status: criteria provided, single submitter. Criteria: ACMG Guidelines, 2015. Collection method: clinical testing. Allele origin: germline.

Labcorp Genetics (formerly Invitae), Labcorp
Classification: Uncertain significance for Chédiak-Higashi syndrome. Last evaluated: 2021-08-26. Review status: criteria provided, single submitter. Criteria: Invitae Variant Classification Sherloc (09022015). Collection method: clinical testing. Allele origin: germline.
Comment: This sequence change replaces alanine with threonine at codon 2614 of the LYST protein (p.Ala2614Thr). The alanine residue is moderately conserved and there is a small physicochemical difference between alanine and threonine. This variant is not present in population databases (ExAC no frequency). This variant has not been reported in the literature in individuals affected with LYST-related conditions. Algorithms developed to predict the effect of missense changes on protein structure and function (SIFT, PolyPhen-2, Align-GVGD) all suggest that this variant is likely to be tolerated. In summary, the available evidence is currently insufficient to determine the role of this variant in disease. Therefore, it has been classified as a Variant of Uncertain Significance.

NM_000081.4(LYST):c.7840G>A (p.Ala2614Thr)

Gene: LYST (lysosomal trafficking regulator; minus strand). Cytogenetic location: 1q42.3.
Variant type: single nucleotide variant.
Coding change: c.7840G>A on transcript NM_000081.4 (MANE Select); coding-DNA position 7840, G replaced by A.
Protein change: p.Ala2614Thr; replaces alanine 2614 with threonine.
Molecular consequence: missense variant.
Genome position (GRCh38, 1-based): chr1:235,746,468, C>T on the plus strand (G>A on the coding strand, the complement: LYST is on the minus strand). VCF-style: chr1-235746468-C-T. GRCh37 (hg19) VCF-style: chr1-235909768-C-T.
Other names: c.7840G>A, p.Ala2614Thr (NM_001301365.1); short protein forms A2614T.
Identifiers: ClinVar variation 1520907 (VCV001520907.6), dbSNP rs1271284348, ClinGen allele CA344927628.